The following is an entry in ClinVar:

ClinVar aggregate classification (germline): Uncertain significance (1 of 4 stars; one submission).

gnomAD v4.1: 1 of 1,612,336 alleles (0.000062%); highest among the groups gnomAD compares: Non-Finnish European, 0.000085%; no homozygotes.

Submission:

Labcorp Genetics (formerly Invitae), Labcorp
Classification: Uncertain significance. Last evaluated: 2025-12-15. Review status: criteria provided, single submitter. Criteria: Invitae Variant Classification Sherloc (09022015). Collection method: clinical testing. Allele origin: germline.
Comment: This sequence change replaces alanine, which is neutral and non-polar, with proline, which is neutral and non-polar, at codon 580 of the COL2A1 protein (p.Ala580Pro). This variant is not present in population databases (gnomAD no frequency). This variant has not been reported in the literature in individuals affected with COL2A1-related conditions. Invitae Evidence Modeling of protein sequence and biophysical properties (such as structural, functional, and spatial information, amino acid conservation, physicochemical variation, residue mobility, and thermodynamic stability) indicates that this missense variant is not expected to disrupt COL2A1 protein function with a negative predictive value of 95%. In summary, the available evidence is currently insufficient to determine the role of this variant in disease. Therefore, it has been classified as a Variant of Uncertain Significance.

NM_001844.5(COL2A1):c.1738G>C (p.Ala580Pro)

Gene: COL2A1 (collagen type II alpha 1 chain; minus strand). Cytogenetic location: 12q13.11.
Variant type: single nucleotide variant.
Coding change: c.1738G>C on transcript NM_001844.5 (MANE Select); coding-DNA position 1738, G replaced by C.
Protein change: p.Ala580Pro; replaces alanine 580 with proline.
Molecular consequence: missense variant.
Genome position (GRCh38, 1-based): chr12:47,985,090, C>G on the plus strand (G>C on the coding strand, the complement: COL2A1 is on the minus strand). VCF-style: chr12-47985090-C-G. GRCh37 (hg19) VCF-style: chr12-48378873-C-G.
Other names: c.1531G>C, p.Ala511Pro (NM_033150.3); short protein forms A511P, A580P.
Identifiers: ClinVar variation 4747066 (VCV004747066.1).